The following is an entry in ClinVar:

NM_002907.4(RECQL):c.1375G>T (p.Ala459Ser)

Gene: RECQL (RecQ like helicase; minus strand). Cytogenetic location: 12p12.1.
Variant type: single nucleotide variant.
Coding change: c.1375G>T on transcript NM_002907.4 (MANE Select); coding-DNA position 1375, G replaced by T.
Protein change: p.Ala459Ser; replaces alanine 459 with serine.
Molecular consequence: missense variant.
Genome position (GRCh38, 1-based): chr12:21,473,623, C>A on the plus strand (G>T on the coding strand, the complement: RECQL is on the minus strand). VCF-style: chr12-21473623-C-A. GRCh37 (hg19) VCF-style: chr12-21626557-C-A.
Other names: c.1375G>T, p.Ala459Ser (NM_032941.3); c.1375G>T (NM_002907.3); short protein forms A459S.
Identifiers: ClinVar variation 972714 (VCV000972714.4), dbSNP rs1055710310, ClinGen allele CA233567470.

ClinVar aggregate classification (germline): Uncertain significance. Review status: criteria provided, multiple submitters, no conflicts (2 of 4 stars). 3 submissions from 3 submitters: Uncertain significance (2). 1 of the submissions does not count toward it. Last evaluated 2023-12-14.

Conditions:
RECON progeroid syndrome (RECON). Identifiers: MedGen C5830504, MONDO:0957266, OMIM 620370.
Short stature. Identifiers: MedGen C0349588, HP:0004322.
Abnormal facial shape. Also called: Dysmorphic facies; Dysmorphic facial features. Identifiers: MedGen C0424503, HP:0001999.

Allele frequency attached by ClinVar (database versions not stated): gnomAD exomes below 0.00001.

Submissions (3):

Ambry Genetics
Classification: Uncertain significance. Last evaluated: 2023-12-14. Review status: criteria provided, single submitter. Criteria: Ambry Variant Classification Scheme 2023. Collection method: clinical testing. Allele origin: germline.
Comment: The p.A459S variant (also known as c.1375G>T), located in coding exon 11 of the RECQL gene, results from a G to T substitution at nucleotide position 1375. The alanine at codon 459 is replaced by serine, an amino acid with similar properties. This amino acid position is highly conserved in available vertebrate species. In addition, this alteration is predicted to be tolerated by in silico analysis. The evidence for this gene-disease relationship is limited; therefore, the clinical significance of this alteration is unclear.

Hadassah Hebrew University Medical Center
Classification: Uncertain significance for Abnormal facial shape; Short stature. Review status: criteria provided, single submitter. Criteria: ACMG Guidelines, 2015. Collection method: clinical testing. Allele origin: germline. Inheritance: Autosomal recessive inheritance. Affected: yes.

OMIM
Classification: Pathogenic for RECON PROGEROID SYNDROME. Last evaluated: 2023-05-26. Review status: no assertion criteria provided. Collection method: literature only. Allele origin: germline. Not counted in ClinVar's aggregate classification.

Literature cited by the submitters: PubMed 35025765 (cited by OMIM).